The following is an entry in ClinVar:

NM_006623.4(PHGDH):c.1415C>T (p.Thr472Ile)

Gene: PHGDH (phosphoglycerate dehydrogenase; plus strand). Cytogenetic location: 1p12.
Variant type: single nucleotide variant.
Coding change: c.1415C>T on transcript NM_006623.4 (MANE Select); coding-DNA position 1415, C replaced by T.
Protein change: p.Thr472Ile; replaces threonine 472 with isoleucine.
Molecular consequence: missense variant.
Genome position (GRCh38, 1-based): chr1:119,743,012, C>T. VCF-style: chr1-119743012-C-T. GRCh37 (hg19) VCF-style: chr1-120285635-C-T.
Other names: c.1415C>T (NM_006623.3); short protein forms T472I.
Identifiers: ClinVar variation 1436481 (VCV001436481.6), dbSNP rs966613179, ClinGen allele CA30263631.

ClinVar aggregate classification (germline): Uncertain significance. Review status: criteria provided, multiple submitters, no conflicts (2 of 4 stars). 2 submissions from 2 submitters: Uncertain significance (2). Last evaluated 2025-08-25.

Conditions:
Inborn genetic diseases. Identifiers: MedGen C0950123, MeSH D030342.
PHGDH deficiency. Identifiers: Orphanet 79351, MedGen C1866174, MONDO:0011152, OMIM 601815.

Allele frequency attached by ClinVar (database versions not stated): gnomAD exomes below 0.00001; gnomAD 0.00001; TOPMed 0.00002.
gnomAD v4.1: 4 of 1,613,108 alleles (0.00025%); highest among the groups gnomAD compares: Non-Finnish European, 0.00034%; no homozygotes.

Submissions (2):

Ambry Genetics
Classification: Uncertain significance for Inborn genetic diseases. Last evaluated: 2025-08-25. Review status: criteria provided, single submitter. Criteria: Ambry Variant Classification Scheme 2023. Collection method: clinical testing. Allele origin: germline.

Labcorp Genetics (formerly Invitae), Labcorp
Classification: Uncertain significance for PHGDH deficiency. Last evaluated: 2025-01-27. Review status: criteria provided, single submitter. Criteria: Invitae Variant Classification Sherloc (09022015). Collection method: clinical testing. Allele origin: germline.
Comment: This sequence change replaces threonine, which is neutral and polar, with isoleucine, which is neutral and non-polar, at codon 472 of the PHGDH protein (p.Thr472Ile). This variant is not present in population databases (gnomAD no frequency). This variant has not been reported in the literature in individuals affected with PHGDH-related conditions. ClinVar contains an entry for this variant (Variation ID: 1436481). Invitae Evidence Modeling of protein sequence and biophysical properties (such as structural, functional, and spatial information, amino acid conservation, physicochemical variation, residue mobility, and thermodynamic stability) has been performed for this missense variant. However, the output from this modeling did not meet the statistical confidence thresholds required to predict the impact of this variant on PHGDH protein function. In summary, the available evidence is currently insufficient to determine the role of this variant in disease. Therefore, it has been classified as a Variant of Uncertain Significance.